The following is an entry in ClinVar:

ClinVar aggregate classification (germline): Conflicting classifications of pathogenicity. Review status: criteria provided, conflicting classifications (1 of 4 stars). 4 submissions from 3 submitters: Uncertain significance (2); Benign (1); Likely benign (1). Last evaluated 2026-02-04.

Conditions:
Hypercholesterolemia, autosomal dominant, type B (FHCL2). Also called: Familial hypercholesterolemia 2; Familial Hypercholesterolemia Type B; APOLIPOPROTEIN B-100, FAMILIAL DEFECTIVE; APOLIPOPROTEIN B-100, FAMILIAL LIGAND-DEFECTIVE; HYPERCHOLESTEROLEMIA, FAMILIAL, DUE TO LIGAND-DEFECTIVE APOLIPOPROTEIN B; APOB-Related Familial Hypercholesterolemia, Autosomal Dominant. Identifiers: MedGen C1704417, MONDO:0007751, OMIM 144010.
Familial hypobetalipoproteinemia 1. Also called: Hypobetalipoproteinemia, normotriglyceridemic; Acanthocytosis with hypobetalipoproteinemia; APOB-Related Familial Hypobetalipoproteinemia. Identifiers: MedGen C4551990, MONDO:0014252, OMIM 615558.

Allele frequency attached by ClinVar (database versions not stated): gnomAD 0.00001; TOPMed 0.00002; ExAC 0.00003.
gnomAD v4.1: 22 of 1,614,124 alleles (0.0014%); highest among the groups gnomAD compares: Admixed American, 0.03%; no homozygotes.

Submissions (4):

Labcorp Genetics (formerly Invitae), Labcorp
Classification: Benign for Familial hypobetalipoproteinemia 1; Hypercholesterolemia, autosomal dominant, type B. Last evaluated: 2026-02-04. Review status: criteria provided, single submitter. Criteria: Invitae Variant Classification Sherloc (09022015). Collection method: clinical testing. Allele origin: germline.

Women's Health and Genetics/Laboratory Corporation of America, LabCorp
Classification: Likely benign. Last evaluated: 2024-01-10. Review status: criteria provided, single submitter. Criteria: LabCorp Variant Classification Summary - May 2015. Collection method: clinical testing. Allele origin: germline.
Comment: Variant summary: APOB c.11585T>C (p.Ile3862Thr) results in a non-conservative amino acid change in the encoded protein sequence. Four of five in-silico tools predict a damaging effect of the variant on protein function. The variant allele was found at a frequency of 6.8e-05 in 251286 control chromosomes (gnomAD). The observed variant frequency is approximately 3.4 fold of the estimated maximal expected allele frequency for a pathogenic variant in APOB causing Early Onset Coronary Artery Disease phenotype (2e-05), strongly suggesting that the variant is benign. c.11585T>C has been reported in the literature in at-least one individual affected with Familial hypercholesterolemia (example: Xiang_2017). The following publication has been ascertained in the context of this evaluation (PMID: 28235710). ClinVar contains an entry for this variant (Variation ID: 334094). Based on the evidence outlined above, the variant was classified as likely benign.

Illumina Laboratory Services, Illumina
Classification: Uncertain significance for Hypercholesterolemia, autosomal dominant, type B. Last evaluated: 2018-01-12. Review status: criteria provided, single submitter. Criteria: ICSL Variant Classification Criteria 13 December 2019. Collection method: clinical testing. Allele origin: germline.

Illumina Laboratory Services, Illumina
Classification: Uncertain significance for Familial hypobetalipoproteinemia 1. Last evaluated: 2018-01-12. Review status: criteria provided, single submitter. Criteria: ICSL Variant Classification Criteria 13 December 2019. Collection method: clinical testing. Allele origin: germline.

Literature cited by the submitters: PubMed 28235710 (cited by Women's Health and Genetics/Laboratory Corporation of America, LabCorp).

NM_000384.3(APOB):c.11585T>C (p.Ile3862Thr)

Gene: APOB (apolipoprotein B; minus strand). Cytogenetic location: 2p24.1.
Variant type: single nucleotide variant.
Coding change: c.11585T>C on transcript NM_000384.3 (MANE Select); coding-DNA position 11585, T replaced by C.
Protein change: p.Ile3862Thr; replaces isoleucine 3862 with threonine.
Molecular consequence: missense variant.
Genome position (GRCh38, 1-based): chr2:21,005,283, A>G on the plus strand (T>C on the coding strand, the complement: APOB is on the minus strand). VCF-style: chr2-21005283-A-G. GRCh37 (hg19) VCF-style: chr2-21228155-A-G.
Other names: short protein forms I3862T.
Identifiers: ClinVar variation 334094 (VCV000334094.10), dbSNP rs772015796, ClinGen allele CA046931.
Genomic context (GRCh38, chr2:21,005,283, plus strand): 5'-GCTTGAAAGGAAGGAATGACAATTCCAGCAGGTACAGAGAACTTAATGGAGGGAATCTCA[A>G]TGGTCTGCTCAGGCACGATGATGGTGGGCAACTCAAAGTCTGCGATCTTGTTGGCTACTG-3'
Protein context (NP_000375.3, residues 3852-3872): LPTIIVPEQT[Ile3862Thr]EIPSIKFSVP